The following is an entry in ClinVar:

ClinVar aggregate classification (germline): Benign (1 of 4 stars; one submission).

Submission:

Laboratory for Molecular Medicine, Mass General Brigham Personalized Medicine
Classification: Benign. Last evaluated: 2015-12-14. Review status: criteria provided, single submitter. Criteria: LMM Criteria. Collection method: clinical testing. Allele origin: germline. Observed: 2 variant alleles.
Comment: proposed classification - variant undergoing re-assessment, contact laboratory

Literature cited by the submitters: PubMed 15841390; PubMed 20100600; PubMed 25515069.

NC_012920.1(MT-RNR1):m.1116A>G

Gene: MT-RNR1 (mitochondrially encoded 12S RNA; plus strand).
Variant type: single nucleotide variant.
Genome position: chrM-1116-A-G.
Identifiers: ClinVar variation 42208 (VCV000042208.4), dbSNP rs111033208, ClinGen allele CA130995.